The following is an entry in ClinVar:

NM_025132.4(WDR19):c.929A>G (p.Tyr310Cys)

Gene: WDR19 (WD repeat domain 19; plus strand). Cytogenetic location: 4p14.
Variant type: single nucleotide variant.
Coding change: c.929A>G on transcript NM_025132.4 (MANE Select); coding-DNA position 929, A replaced by G.
Protein change: p.Tyr310Cys; replaces tyrosine 310 with cysteine.
Molecular consequence: missense variant.
Genome position (GRCh38, 1-based): chr4:39,214,639, A>G. VCF-style: chr4-39214639-A-G. GRCh37 (hg19) VCF-style: chr4-39216259-A-G.
Other names: c.449A>G, p.Tyr150Cys (NM_001317924.2); short protein forms Y310C, Y150C.
Identifiers: ClinVar variation 348727 (VCV000348727.23), dbSNP rs199783864, ClinGen allele CA2891746.

ClinVar aggregate classification (germline): Conflicting classifications of pathogenicity. Review status: criteria provided, conflicting classifications (1 of 4 stars). 8 submissions from 7 submitters: Uncertain significance (7); Likely benign (1). Last evaluated 2025-10-03.

Conditions:
WDR19-related disorder. Also called: WDR19-related disorders; WDR19-related condition. Identifiers: MedGen CN380161.
Spermatogenic failure 72 (SPGF72). Identifiers: MedGen C5676980, MONDO:0030809, OMIM 619867.
Senior-Loken syndrome 8 (SLSN8). Identifiers: Orphanet 3156, MedGen C4225376, MONDO:0014579, OMIM 616307.
Cranioectodermal dysplasia 4 (CED4). Identifiers: Orphanet 1515, MedGen C3280616, MONDO:0013719, OMIM 614378.
Asphyxiating thoracic dystrophy 5 (SRTD5). Also called: SHORT-RIB THORACIC DYSPLASIA 5 WITH OR WITHOUT POLYDACTYLY; SHORT-RIB THORACIC DYSPLASIA 5 WITHOUT POLYDACTYLY. Identifiers: Orphanet 474, MedGen C3280598, MONDO:0013717, OMIM 614376.
Nephronophthisis 13 (NPHP13). Identifiers: Orphanet 655, MedGen C3280612, MONDO:0013718, OMIM 614377.
Inborn genetic diseases. Identifiers: MedGen C0950123, MeSH D030342.

Allele frequency attached by ClinVar (database versions not stated): ESP Exome Variant Server 0.00017; TOPMed 0.00017; gnomAD exomes 0.00028 and 0.00030; gnomAD 0.00030; ExAC 0.00042.

Submissions (8):

PreventionGenetics, part of Exact Sciences
Classification: Uncertain significance for WDR19-related condition. Last evaluated: 2025-10-03. Review status: criteria provided, single submitter. Criteria: ACMG Guidelines, 2015. Collection method: clinical testing. Allele origin: germline.
Comment: The WDR19 c.929A>G variant is predicted to result in the amino acid substitution p.Tyr310Cys. To our knowledge, this variant has not been reported in the literature. This variant is reported in 0.054% of alleles in individuals of European (Non-Finnish) descent in gnomAD. Although we suspect that this variant may be benign, at this time, the clinical significance of this variant is uncertain due to the absence of conclusive functional and genetic evidence.

Blueprint Genetics
Classification: Likely benign. Last evaluated: 2024-11-26. Review status: criteria provided, single submitter. Criteria: ACMG Guidelines, 2015. Collection method: clinical testing. Allele origin: germline.

Labcorp Genetics (formerly Invitae), Labcorp
Classification: Uncertain significance for Senior-Loken syndrome 8; Asphyxiating thoracic dystrophy 5. Last evaluated: 2024-01-14. Review status: criteria provided, single submitter. Criteria: Invitae Variant Classification Sherloc (09022015). Collection method: clinical testing. Allele origin: germline.
Comment: This sequence change replaces tyrosine, which is neutral and polar, with cysteine, which is neutral and slightly polar, at codon 310 of the WDR19 protein (p.Tyr310Cys). This variant is present in population databases (rs199783864, gnomAD 0.05%). This variant has not been reported in the literature in individuals affected with WDR19-related conditions. ClinVar contains an entry for this variant (Variation ID: 348727). Advanced modeling of protein sequence and biophysical properties (such as structural, functional, and spatial information, amino acid conservation, physicochemical variation, residue mobility, and thermodynamic stability) has been performed at Invitae for this missense variant, however the output from this modeling did not meet the statistical confidence thresholds required to predict the impact of this variant on WDR19 protein function. In summary, the available evidence is currently insufficient to determine the role of this variant in disease. Therefore, it has been classified as a Variant of Uncertain Significance.

Ambry Genetics
Classification: Uncertain significance for Inborn genetic diseases. Last evaluated: 2022-10-26. Review status: criteria provided, single submitter. Criteria: Ambry Variant Classification Scheme 2023. Collection method: clinical testing. Allele origin: germline.

Fulgent Genetics
Classification: Uncertain significance for Asphyxiating thoracic dystrophy 5; Nephronophthisis 13; Cranioectodermal dysplasia 4; Senior-Loken syndrome 8; Spermatogenic failure 72. Last evaluated: 2022-02-11. Review status: criteria provided, single submitter. Criteria: ACMG Guidelines, 2015. Collection method: clinical testing. Allele origin: unknown.

ARUP Laboratories, Molecular Genetics and Genomics, ARUP Laboratories
Classification: Uncertain significance. Last evaluated: 2018-09-26. Review status: criteria provided, single submitter. Criteria: ARUP Molecular Germline Variant Investigation Process. Collection method: clinical testing. Allele origin: germline.
Comment: The WDR19 variant (rs199783864), to our knowledge, is not described in the medical literature but contains an entry in ClinVar (Variation ID: 348727). It is observed in the general population at an overall frequency of 0.03% (83/267358 alleles) in the Genome Aggregation Database. The tyrosine at codon 310 is moderately conserved, but computational algorithms (PolyPhen-2, SIFT) predict that this variant is tolerated. Due to the lack of clinical and functional data regarding this variant, its clinical significance cannot be determined with certainty.

Illumina Laboratory Services, Illumina
Classification: Uncertain significance for Asphyxiating thoracic dystrophy 5. Last evaluated: 2018-01-12. Review status: criteria provided, single submitter. Criteria: ICSL Variant Classification Criteria 13 December 2019. Collection method: clinical testing. Allele origin: germline.

Illumina Laboratory Services, Illumina
Classification: Uncertain significance for Cranioectodermal dysplasia 4. Last evaluated: 2018-01-12. Review status: criteria provided, single submitter. Criteria: ICSL Variant Classification Criteria 13 December 2019. Collection method: clinical testing. Allele origin: germline.